The following is an entry in ClinVar:

ClinVar aggregate classification (germline): Uncertain significance (1 of 4 stars; one submission).

Submission:

Ambry Genetics
Classification: Uncertain significance. Last evaluated: 2026-05-20. Review status: criteria provided, single submitter. Criteria: Ambry Variant Classification Scheme 2023. Collection method: clinical testing. Allele origin: germline.
Comment: The c.1227_1230dupCCTT (p.T411Pfs*44) alteration, located in coding exon 11 of the SHQ1 gene, consists of a duplication of CCTT at position 1227, causing a translational frameshift with a predicted alternate stop codon after 44 amino acids. This variant is not expected to trigger nonsense-mediated mRNA decay, and impacts the last 21% of the protein. The exact functional effect of this alteration is unknown. This variant was not reported in population-based cohorts in the Genome Aggregation Database (gnomAD). Based on insufficient or conflicting evidence, the clinical significance of this alteration remains unclear.

NM_018130.3(SHQ1):c.1227_1230dup (p.Thr411fs)

Gene: SHQ1 (SHQ1, H/ACA ribonucleoprotein assembly factor; minus strand). Cytogenetic location: 3p13.
Variant type: Duplication.
Coding change: c.1227_1230dup on transcript NM_018130.3 (MANE Select); coding-DNA positions 1227 to 1230, 4 bases duplicated (CCTT; older notation c.1227_1230dupCCTT).
Protein change: p.Thr411fs; shifts the reading frame from threonine 411.
Molecular consequence: frameshift variant.
Genome position (GRCh38, 1-based): chr3:72,750,788-72,750,791, AAGG duplicated on the plus strand (CCTT on the coding strand, the reverse complement: SHQ1 is on the minus strand). VCF-style (leftmost placement, unchanged base first): chr3-72750787-T-TAAGG. GRCh37 (hg19) VCF-style: chr3-72799938-T-TAAGG.
Other names: short protein forms T411fs.
Identifiers: ClinVar variation 4828254 (VCV004828254.2).